The following is an entry in ClinVar:

NM_000294.3(PHKG2):c.152C>T (p.Ala51Val)

Gene: PHKG2 (phosphorylase kinase catalytic subunit gamma 2; plus strand). Cytogenetic location: 16p11.2.
Variant type: single nucleotide variant.
Coding change: c.152C>T on transcript NM_000294.3 (MANE Select); coding-DNA position 152, C replaced by T.
Protein change: p.Ala51Val; replaces alanine 51 with valine.
Molecular consequence: missense variant.
Genome position (GRCh38, 1-based): chr16:30,751,162, C>T. VCF-style: chr16-30751162-C-T. GRCh37 (hg19) VCF-style: chr16-30762483-C-T.
Other names: c.152C>T, p.Ala51Val (NM_001172432.2); short protein forms A51V.
Identifiers: ClinVar variation 1435560 (VCV001435560.3), dbSNP rs770253840, ClinGen allele CA8013046.
Genomic context (GRCh38, chr16:30,751,162, plus strand): 5'-GCAGAGGAGTGAGCTCTGTGGTCCGCCGTTGTGTTCATCGAGCTACTGGCCACGAGTTTG[C>T]GGTGAAGATTATGGAAGTGACAGCTGAGCGGCTGAGTCCTGAGCAGCTGGAGGAGGTGCG-3'
Protein context (NP_000285.1, residues 41-61): CVHRATGHEF[Ala51Val]VKIMEVTAER

ClinVar aggregate classification (germline): Uncertain significance (1 of 4 stars; one submission).

Conditions:
Glycogen storage disease IXc (GSD9C). Also called: GSD IXc. Identifiers: Orphanet 264580, MedGen C2751643, MONDO:0013091, OMIM 613027.

Allele frequency attached by ClinVar (database versions not stated): gnomAD exomes 0.00003; ExAC 0.00005.
gnomAD v4.1: 24 of 1,613,750 alleles (0.0015%); highest among the groups gnomAD compares: South Asian, 0.0066%; no homozygotes.

Submission:

Labcorp Genetics (formerly Invitae), Labcorp
Classification: Uncertain significance for Glycogen storage disease IXc. Last evaluated: 2021-10-24. Review status: criteria provided, single submitter. Criteria: Invitae Variant Classification Sherloc (09022015). Collection method: clinical testing. Allele origin: germline.
Comment: This sequence change replaces alanine with valine at codon 51 of the PHKG2 protein (p.Ala51Val). The alanine residue is highly conserved and there is a small physicochemical difference between alanine and valine. This variant is present in population databases (rs770253840, ExAC 0.006%). This variant has not been reported in the literature in individuals affected with PHKG2-related conditions. Algorithms developed to predict the effect of missense changes on protein structure and function are either unavailable or do not agree on the potential impact of this missense change (SIFT: "Deleterious"; PolyPhen-2: "Probably Damaging"; Align-GVGD: "Class C0"). In summary, the available evidence is currently insufficient to determine the role of this variant in disease. Therefore, it has been classified as a Variant of Uncertain Significance.